The following is an entry in ClinVar:

ClinVar aggregate classification (germline): Uncertain significance (1 of 4 stars; one submission).

Conditions:
Inborn genetic diseases. Identifiers: MedGen C0950123, MeSH D030342.

Submission:

Ambry Genetics
Classification: Uncertain significance for Inborn genetic diseases. Last evaluated: 2025-05-03. Review status: criteria provided, single submitter. Criteria: Ambry Variant Classification Scheme 2023. Collection method: clinical testing. Allele origin: germline.
Comment: The p.D1275E variant (also known as c.3825T>G), located in coding exon 26 of the ANKRD26 gene, results from a T to G substitution at nucleotide position 3825. The aspartic acid at codon 1275 is replaced by glutamic acid, an amino acid with highly similar properties. This amino acid position is conserved. In addition, this alteration is predicted to be tolerated by in silico analysis. Based on the available evidence, the clinical significance of this variant remains unclear.

NM_014915.3(ANKRD26):c.3825T>G (p.Asp1275Glu)

Gene: ANKRD26 (ankyrin repeat domain containing 26; minus strand). Cytogenetic location: 10p12.1.
Variant type: single nucleotide variant.
Coding change: c.3825T>G on transcript NM_014915.3 (MANE Select); coding-DNA position 3825, T replaced by G.
Protein change: p.Asp1275Glu; replaces aspartic acid 1275 with glutamic acid.
Molecular consequence: missense variant.
Genome position (GRCh38, 1-based): chr10:27,029,339, A>C on the plus strand (T>G on the coding strand, the complement: ANKRD26 is on the minus strand). VCF-style: chr10-27029339-A-C. GRCh37 (hg19) VCF-style: chr10-27318268-A-C.
Other names: c.3822T>G, p.Asp1274Glu (NM_001256053.2); short protein forms D1274E, D1275E.
Identifiers: ClinVar variation 3914130 (VCV003914130.1).
Genomic context (GRCh38, chr10:27,029,339, plus strand): 5'-ATTTTACTTTTGCTTGTGATCTTGCATCTTCTCAGCACATCTGACAGCTTCTGTATGTCG[A>C]TCCTGTGCTTCTTGCAACTAAAACAAAGAATAAAAAAAACCCACTTTACTAATAATCTAG-3'
Protein context (NP_055730.2, residues 1265-1285): QIRNQLQEAQ[Asp1275Glu]RHTEAVRCAE